The following is an entry in ClinVar:

NM_001082971.2(DDC):c.1106A>G (p.Tyr369Cys)

Gene: DDC (dopa decarboxylase; minus strand). Cytogenetic location: 7p12.2.
Variant type: single nucleotide variant.
Coding change: c.1106A>G on transcript NM_001082971.2 (MANE Select); coding-DNA position 1106, A replaced by G.
Protein change: p.Tyr369Cys; replaces tyrosine 369 with cysteine.
Molecular consequence: missense variant.
Genome position (GRCh38, 1-based): chr7:50,470,107, T>C on the plus strand (A>G on the coding strand, the complement: DDC is on the minus strand). VCF-style: chr7-50470107-T-C. GRCh37 (hg19) VCF-style: chr7-50537805-T-C.
Other names: c.992A>G, p.Tyr331Cys (NM_001242886.2); c.962A>G, p.Tyr321Cys (NM_001242887.2); c.872A>G, p.Tyr291Cys (NM_001242888.2); c.827A>G, p.Tyr276Cys (NM_001242889.2); c.1106A>G, p.Tyr369Cys (NM_000790.4); short protein forms Y369C, Y321C, Y331C, Y276C, Y291C.
Identifiers: ClinVar variation 360431 (VCV000360431.6), dbSNP rs886062371, ClinGen allele CA10629326.
Genomic context (GRCh38, chr7:50,470,107, plus strand): 5'-GTGATAAATAATAAAAACAAAGTCACCTTGCGGATATAAGCCTGCAGTCCTTTGACTCCA[T>C]ACATCCTAAATACAAACCACATTTTCAAAGAGCGAAATCTTCTGCCCAGTGGTATCTGCC-3'
Protein context (NP_001076440.2, residues 359-379): SLKMWFVFRM[Tyr369Cys]GVKGLQAYIR

ClinVar aggregate classification (germline): Uncertain significance. Review status: criteria provided, multiple submitters, no conflicts (2 of 4 stars). 2 submissions from 2 submitters: Uncertain significance (2). Last evaluated 2024-05-13.

Conditions:
Deficiency of aromatic-L-amino-acid decarboxylase. Also called: Aromatic L-Amino Acid Decarboxylase Deficiency; Aromatic amino acid decarboxylase deficiency; AADC DEFICIENCY; DDC DEFICIENCY; DOPA DECARBOXYLASE DEFICIENCY. Identifiers: Orphanet 35708, MedGen C1291564, MONDO:0012084, OMIM 608643.

Allele frequency attached by ClinVar (database versions not stated): gnomAD exomes below 0.00001; TOPMed below 0.00001; gnomAD 0.00001.
gnomAD v4.1: 4 of 1,613,548 alleles (0.00025%); highest among the groups gnomAD compares: East Asian, 0.0022%; no homozygotes.

Submissions (2):

Women's Health and Genetics/Laboratory Corporation of America, LabCorp
Classification: Uncertain significance. Last evaluated: 2024-05-13. Review status: criteria provided, single submitter. Criteria: LabCorp Variant Classification Summary - May 2015. Collection method: clinical testing. Allele origin: germline.
Comment: Variant summary: DDC c.1106A>G (p.Tyr369Cys) results in a non-conservative amino acid change in the encoded protein sequence. Four of five in-silico tools predict a damaging effect of the variant on protein function. The variant was absent in 251436 control chromosomes. The available data on variant occurrences in the general population are insufficient to allow any conclusion about variant significance. c.1106A>G has been reported in the literature in one individual affected with Deficiency Of Aromatic-L-Amino-Acid Decarboxylase (example: Kojima_2019). These data do not allow any conclusion about variant significance. To our knowledge, no experimental evidence demonstrating an impact on protein function has been reported. The following publications has been ascertained in the context of this evaluation (PMID: 30689738). ClinVar contains an entry for this variant (Variation ID: 360431). Based on the evidence outlined above, the variant was classified as uncertain significance.

Illumina Laboratory Services, Illumina
Classification: Uncertain significance for Deficiency of aromatic-L-amino-acid decarboxylase. Last evaluated: 2018-01-13. Review status: criteria provided, single submitter. Criteria: ICSL Variant Classification Criteria 13 December 2019. Collection method: clinical testing. Allele origin: germline.

Literature cited by the submitters: PubMed 36427457 (cited by Women's Health and Genetics/Laboratory Corporation of America, LabCorp); PubMed 30689738 (cited by Women's Health and Genetics/Laboratory Corporation of America, LabCorp).